The following is an entry in ClinVar:

NM_001128840.3(CACNA1D):c.6116C>A (p.Ala2039Asp)

Gene: CACNA1D (calcium voltage-gated channel subunit alpha1 D; plus strand). Cytogenetic location: 3p21.1.
Variant type: single nucleotide variant.
Coding change: c.6116C>A on transcript NM_001128840.3 (MANE Select); coding-DNA position 6116, C replaced by A.
Protein change: p.Ala2039Asp; replaces alanine 2039 with aspartic acid.
Molecular consequence: missense variant.
Genome position (GRCh38, 1-based): chr3:53,810,222, C>A. VCF-style: chr3-53810222-C-A. GRCh37 (hg19) VCF-style: chr3-53844249-C-A.
Other names: c.6176C>A, p.Ala2059Asp (NM_000720.4); c.6044C>A, p.Ala2015Asp (NM_001128839.3); short protein forms A2039D, A2059D, A2015D.
Identifiers: ClinVar variation 1389074 (VCV001389074.8), dbSNP rs2095589542, ClinGen allele CA353258534.
Genomic context (GRCh38, chr3:53,810,222, plus strand): 5'-TGCACCGCAGCTCCTGGTACACAGACGAGCCCGACATCTCCTACCGGACTTTCACACCAG[C>A]CAGCCTGACTGTCCCCAGCAGCTTCCGGAACAAAAACAGCGACAAGCAGAGGAGTGCGGA-3'
Protein context (NP_001122312.1, residues 2029-2049): PDISYRTFTP[Ala2039Asp]SLTVPSSFRN

ClinVar aggregate classification (germline): Uncertain significance (1 of 4 stars; one submission).

Submission:

Labcorp Genetics (formerly Invitae), Labcorp
Classification: Uncertain significance. Last evaluated: 2022-08-22. Review status: criteria provided, single submitter. Criteria: Invitae Variant Classification Sherloc (09022015). Collection method: clinical testing. Allele origin: germline.
Comment: In summary, the available evidence is currently insufficient to determine the role of this variant in disease. Therefore, it has been classified as a Variant of Uncertain Significance. Algorithms developed to predict the effect of missense changes on protein structure and function are either unavailable or do not agree on the potential impact of this missense change (SIFT: "Deleterious"; PolyPhen-2: "Possibly Damaging"; Align-GVGD: "Class C0"). ClinVar contains an entry for this variant (Variation ID: 1389074). This variant has not been reported in the literature in individuals affected with CACNA1D-related conditions. This variant is not present in population databases (gnomAD no frequency). This sequence change replaces alanine, which is neutral and non-polar, with aspartic acid, which is acidic and polar, at codon 2059 of the CACNA1D protein (p.Ala2059Asp).